The following is an entry in ClinVar:

ClinVar aggregate classification (germline): Uncertain significance. Review status: criteria provided, multiple submitters, no conflicts (2 of 4 stars). 2 submissions from 2 submitters: Uncertain significance (2). Last evaluated 2024-11-06.

Allele frequency attached by ClinVar (database versions not stated): ExAC 0.00001; gnomAD 0.00001; gnomAD exomes 0.00002; TOPMed 0.00002.
gnomAD v4.1: 29 of 1,611,934 alleles (0.0018%); highest among the groups gnomAD compares: Non-Finnish European, 0.0024%; no homozygotes.

Submissions (2):

Ambry Genetics
Classification: Uncertain significance. Last evaluated: 2024-11-06. Review status: criteria provided, single submitter. Criteria: Ambry Variant Classification Scheme 2023. Collection method: clinical testing. Allele origin: germline.

Labcorp Genetics (formerly Invitae), Labcorp
Classification: Uncertain significance. Last evaluated: 2022-07-19. Review status: criteria provided, single submitter. Criteria: Invitae Variant Classification Sherloc (09022015). Collection method: clinical testing. Allele origin: germline.
Comment: This sequence change replaces arginine, which is basic and polar, with histidine, which is basic and polar, at codon 2309 of the CACNA1B protein (p.Arg2309His). The frequency data for this variant in the population databases is considered unreliable, as metrics indicate poor data quality at this position in the gnomAD database. This variant has not been reported in the literature in individuals affected with CACNA1B-related conditions. Advanced modeling of protein sequence and biophysical properties (such as structural, functional, and spatial information, amino acid conservation, physicochemical variation, residue mobility, and thermodynamic stability) performed at Invitae indicates that this missense variant is not expected to disrupt CACNA1B protein function. In summary, the available evidence is currently insufficient to determine the role of this variant in disease. Therefore, it has been classified as a Variant of Uncertain Significance.

NM_000718.4(CACNA1B):c.6926G>A (p.Arg2309His)

Gene: CACNA1B (calcium voltage-gated channel subunit alpha1 B; plus strand). Cytogenetic location: 9q34.3.
Variant type: single nucleotide variant.
Coding change: c.6926G>A on transcript NM_000718.4 (MANE Select); coding-DNA position 6926, G replaced by A.
Protein change: p.Arg2309His; replaces arginine 2309 with histidine.
Molecular consequence: missense variant. On other transcripts: 3 prime UTR variant (1).
Genome position (GRCh38, 1-based): chr9:138,121,905, G>A. VCF-style: chr9-138121905-G-A. GRCh37 (hg19) VCF-style: chr9-141016357-G-A.
Other names: c.*25G>A (NM_001243812.2); c.6926G>A (NM_000718.3); short protein forms R2309H.
Identifiers: ClinVar variation 2156550 (VCV002156550.2), dbSNP rs199734998, ClinGen allele CA5377837.